The following is an entry in ClinVar:

NM_001023570.4(IQCB1):c.490del (p.Leu164fs)

Gene: IQCB1 (IQ motif containing B1; minus strand). Cytogenetic location: 3q13.33.
Variant type: Deletion.
Coding change: c.490del on transcript NM_001023570.4 (MANE Select); coding-DNA position 490, one base deleted (C; older notation c.490delC).
Protein change: p.Leu164fs; shifts the reading frame from leucine 164.
Molecular consequence: frameshift variant. On other transcripts: non-coding transcript variant (1).
Genome position (GRCh38, 1-based): chr3:121,807,441, G deleted on the plus strand (C on the coding strand, the reverse complement: IQCB1 is on the minus strand). VCF-style (leftmost placement, unchanged base first): chr3-121807440-AG-A. GRCh37 (hg19) VCF-style: chr3-121526287-AG-A.
Other names: c.490del, p.Leu164fs (NM_001023571.4, NM_001319107.2); short protein forms L164fs.
Identifiers: ClinVar variation 1073920 (VCV001073920.7), dbSNP rs2108591614, ClinGen allele CA2499216403.

ClinVar aggregate classification (germline): Pathogenic (1 of 4 stars; one submission).

Conditions:
Nephronophthisis. Also called: Juvenile Nephronophthisis. Identifiers: Orphanet 655, MedGen C0687120, MONDO:0019005, HP:0000090.

Submission:

Labcorp Genetics (formerly Invitae), Labcorp
Classification: Pathogenic for Nephronophthisis. Last evaluated: 2023-11-12. Review status: criteria provided, single submitter. Criteria: Invitae Variant Classification Sherloc (09022015). Collection method: clinical testing. Allele origin: germline.
Comment: This sequence change creates a premature translational stop signal (p.Leu164Tyrfs*17) in the IQCB1 gene. It is expected to result in an absent or disrupted protein product. Loss-of-function variants in IQCB1 are known to be pathogenic (PMID: 15723066, 21901789, 23559409, 28041643). This variant is not present in population databases (gnomAD no frequency). This variant has not been reported in the literature in individuals affected with IQCB1-related conditions. ClinVar contains an entry for this variant (Variation ID: 1073920). For these reasons, this variant has been classified as Pathogenic.

Literature cited by the submitters: PubMed 15723066; PubMed 21901789; PubMed 23559409; PubMed 28041643.